The following is an entry in ClinVar:

ClinVar aggregate classification (germline): Benign/Likely benign. Review status: criteria provided, multiple submitters, no conflicts (2 of 4 stars). 3 submissions from 3 submitters: Benign (1); Likely benign (2). Last evaluated 2026-01-24.

Allele frequency attached by ClinVar (database versions not stated): gnomAD exomes 0.00030 and 0.00088; ExAC 0.00128; ESP Exome Variant Server 0.00315; gnomAD 0.00357 and 0.00387; 1000 Genomes Project 0.00379; 1000 Genomes Project 30x 0.00390; TOPMed 0.00427.
gnomAD v4.1: 1,006 of 1,603,858 alleles (0.063%); highest among the groups gnomAD compares: African/African-American, 1.2%; 8 homozygotes.

Submissions (3):

Labcorp Genetics (formerly Invitae), Labcorp
Classification: Benign. Last evaluated: 2026-01-24. Review status: criteria provided, single submitter. Criteria: Invitae Variant Classification Sherloc (09022015). Collection method: clinical testing. Allele origin: germline.

Blueprint Genetics
Classification: Likely benign. Last evaluated: 2024-06-11. Review status: criteria provided, single submitter. Criteria: ACMG Guidelines, 2015. Collection method: clinical testing. Allele origin: germline.

Women's Health and Genetics/Laboratory Corporation of America, LabCorp
Classification: Likely benign. Last evaluated: 2022-06-02. Review status: criteria provided, single submitter. Criteria: LabCorp Variant Classification Summary - May 2015. Collection method: clinical testing. Allele origin: germline.
Comment: Variant summary: FRAS1 c.5665+18A>T alters a non-conserved nucleotide located close to a canonical splice site and therefore could affect mRNA splicing, leading to a significantly altered protein sequence. 4/4 computational tools predict no significant impact on normal splicing. However, these predictions have yet to be confirmed by functional studies. The variant allele was found at a frequency of 0.00088 in 231812 control chromosomes in the gnomAD database, including 1 homozygotes. This frequency is not significantly higher than expected for a pathogenic variant in FRAS1 causing Cryptophthalmos Syndrome (0.00088 vs 0.0018), allowing no conclusion about variant significance. To our knowledge, no occurrence of c.5665+18A>T in individuals affected with Cryptophthalmos Syndrome and no experimental evidence demonstrating its impact on protein function have been reported. One clinical diagnostic laboratory has submitted clinical-significance assessments for this variant to ClinVar after 2014 and classified the variant as benign. Based on the evidence outlined above, the variant was classified as likely benign.

NM_025074.7(FRAS1):c.5665+18A>T

Gene: FRAS1 (Fraser extracellular matrix complex subunit 1; plus strand). Cytogenetic location: 4q21.21.
Variant type: single nucleotide variant.
Coding change: c.5665+18A>T on transcript NM_025074.7 (MANE Select); 18 bases into the intron after coding-DNA position 5665, A replaced by T.
Molecular consequence: intron variant.
Genome position (GRCh38, 1-based): chr4:78,441,315, A>T. VCF-style: chr4-78441315-A-T. GRCh37 (hg19) VCF-style: chr4-79362469-A-T.
Other names: c.5665+18A>T (NM_001166133.2).
Identifiers: ClinVar variation 1662657 (VCV001662657.9), dbSNP rs140398472, ClinGen allele CA2977564.